The following is an entry in ClinVar:

ClinVar aggregate classification (germline): Likely benign (1 of 4 stars; one submission).

Conditions:
KIDINS220-related disorder. Also called: KIDINS220-related condition.

gnomAD v4.1: 2 of 1,514,352 alleles (0.00013%); highest among the groups gnomAD compares: Non-Finnish European, 0.00018%; no homozygotes.

Submission:

PreventionGenetics, part of Exact Sciences
Classification: Likely benign for KIDINS220-related condition. Last evaluated: 2025-07-13. Review status: criteria provided, single submitter. Criteria: ACMG Guidelines, 2015. Collection method: clinical testing. Allele origin: germline.
Comment: This variant is classified as likely benign based on ACMG/AMP sequence variant interpretation guidelines (Richards et al. 2015 PMID: 25741868, with internal and published modifications).

NM_020738.4(KIDINS220):c.3415-6C>T

Gene: KIDINS220 (kinase D interacting substrate 220; minus strand). Cytogenetic location: 2p25.1.
Variant type: single nucleotide variant.
Coding change: c.3415-6C>T on transcript NM_020738.4 (MANE Select); 6 bases into the intron before coding-DNA position 3415, C replaced by T.
Molecular consequence: intron variant.
Genome position (GRCh38, 1-based): chr2:8,748,006, G>A on the plus strand (C>T on the coding strand, the complement: KIDINS220 is on the minus strand). VCF-style: chr2-8748006-G-A. GRCh37 (hg19) VCF-style: chr2-8888136-G-A.
Other names: c.3414+2106C>T (NM_001348741.2, NM_001348742.2, NM_001348743.2 and 1 more transcripts); c.3415-6C>T (NM_001348738.2, NM_001348732.2); c.3417+2106C>T (NM_001348739.2, NM_001348740.2, NM_001348734.2); c.3418-6C>T (NM_001348731.2, NM_001348729.2); c.3288+2106C>T (NM_001348736.2).
Identifiers: ClinVar variation 4985408 (VCV004985408.1).